The following is an entry in ClinVar:

ClinVar aggregate classification (germline): Pathogenic (1 of 4 stars; one submission).

Submission:

GeneDx
Classification: Pathogenic. Last evaluated: 2017-04-28. Review status: criteria provided, single submitter. Criteria: GeneDx Variant Classification (06012015). Collection method: clinical testing. Allele origin: germline. Affected: yes.
Comment: The c.2673+1 G>A pathogenic variant has been reported in a fetus with clinical indications of osteogenesis imperfecta type II including lack of skull mineralization and multiple long bone abnormalities (Bodian et al., 2009). The c.2673+1 G>A variant is not observed in large population cohorts (Lek et al., 2016; 1000 Genomes Consortium et al., 2015; Exome Variant Server). The c.2673+1 G>A splice site variant is predicted to destroy the canonical splice donor site in intron 41. It is predicted to cause skipping of exon 41, which encodes for a portion of the Gly-X-Y triple-helical region. Mutations in these repeats result in poor winding of the collagen triple helix and a less functional protein. Therefore, we interpret this variant to be pathogenic.

NM_000089.4(COL1A2):c.2673+1G>A

Gene: COL1A2 (collagen type I alpha 2 chain; plus strand). Cytogenetic location: 7q21.3.
Variant type: single nucleotide variant.
Coding change: c.2673+1G>A on transcript NM_000089.4 (MANE Select); the canonical splice donor site of the intron after coding-DNA position 2673, G replaced by A.
Molecular consequence: splice donor variant.
Genome position (GRCh38, 1-based): chr7:94,424,444, G>A. VCF-style: chr7-94424444-G-A. GRCh37 (hg19) VCF-style: chr7-94053756-G-A.
Identifiers: ClinVar variation 426158 (VCV000426158.2), dbSNP rs1085307477, ClinGen allele CA368224380.